The following is an entry in ClinVar:

NM_004629.2(FANCG):c.144A>T (p.Glu48Asp)

Gene: FANCG (FA complementation group G; minus strand). Cytogenetic location: 9p13.3.
Variant type: single nucleotide variant.
Coding change: c.144A>T on transcript NM_004629.2 (MANE Select); coding-DNA position 144, A replaced by T.
Protein change: p.Glu48Asp; replaces glutamic acid 48 with aspartic acid.
Molecular consequence: missense variant.
Genome position (GRCh38, 1-based): chr9:35,079,182, T>A on the plus strand (A>T on the coding strand, the complement: FANCG is on the minus strand). VCF-style: chr9-35079182-T-A. GRCh37 (hg19) VCF-style: chr9-35079179-T-A.
Other names: short protein forms E48D.
Identifiers: ClinVar variation 4254481 (VCV004254481.1).

ClinVar aggregate classification (germline): Uncertain significance (1 of 4 stars; one submission).

Conditions:
Inborn genetic diseases. Identifiers: MedGen C0950123, MeSH D030342.

Submission:

Ambry Genetics
Classification: Uncertain significance for Inborn genetic diseases. Last evaluated: 2025-08-22. Review status: criteria provided, single submitter. Criteria: Ambry Variant Classification Scheme 2023. Collection method: clinical testing. Allele origin: germline.
Comment: The p.E48D variant (also known as c.144A>T), located in coding exon 2 of the FANCG gene, results from an A to T substitution at nucleotide position 144. The glutamic acid at codon 48 is replaced by aspartic acid, an amino acid with highly similar properties. This amino acid position is conserved. In addition, this alteration is predicted to be tolerated by in silico analysis. Based on the available evidence, the clinical significance of this variant remains unclear.